The following is an entry in ClinVar:

ClinVar aggregate classification (germline): Uncertain significance (1 of 4 stars; one submission).

Conditions:
PKHD1-related disorder. Also called: PKHD1-related condition.

Submission:

PreventionGenetics, part of Exact Sciences
Classification: Uncertain significance for PKHD1-related condition. Last evaluated: 2025-12-08. Review status: criteria provided, single submitter. Criteria: ACMG Guidelines, 2015. Collection method: clinical testing. Allele origin: germline.
Comment: The PKHD1 c.9737C>T variant is predicted to result in the amino acid substitution p.Pro3246Leu. This variant was reported with a missense variant in an individual with autosomal recessive polycystic kidney disease (ARPKD) (Supplementary Table S3, Burgmaier et al. 2021. PubMed ID: 33940108). In addition, this variant was reported with another missense variant in an individual with ARPKD in Abstracts of the Asian Congress of Pediatric Nephrology 2023. This variant has not been reported in a large population database (gnomAD), indicating this variant is rare. At this time, the clinical significance of this variant is uncertain due to the absence of conclusive functional and genetic evidence.

NM_138694.4(PKHD1):c.9737C>T (p.Pro3246Leu)

Gene: PKHD1 (PKHD1 ciliary IPT domain containing fibrocystin/polyductin; minus strand). Cytogenetic location: 6p12.3.
Variant type: single nucleotide variant.
Coding change: c.9737C>T on transcript NM_138694.4 (MANE Select); coding-DNA position 9737, C replaced by T.
Protein change: p.Pro3246Leu; replaces proline 3246 with leucine.
Molecular consequence: missense variant.
Genome position (GRCh38, 1-based): chr6:51,747,879, G>A on the plus strand (C>T on the coding strand, the complement: PKHD1 is on the minus strand). VCF-style: chr6-51747879-G-A. GRCh37 (hg19) VCF-style: chr6-51612677-G-A.
Other names: c.9737C>T, p.Pro3246Leu (NM_170724.3); short protein forms P3246L.
Identifiers: ClinVar variation 4984415 (VCV004984415.1).
Genomic context (GRCh38, chr6:51,747,879, plus strand): 5'-TCATTCCTCACTTTGTGCCATGGCTCCTGAGGCCACTGATTTGGTTCTGAGGTGAATACA[G>A]GCCACAGAATACCAATTCGACCTCCTCTTGGATTGGAGGGAGCTCTATCTGTTGATGTCA-3'
Protein context (NP_619639.3, residues 3236-3256): PRGGRIGILW[Pro3246Leu]VFTSEPNQWP